The following is an entry in ClinVar:

NM_003737.4(DCHS1):c.2521G>T (p.Ala841Ser)

Gene: DCHS1 (dachsous cadherin-related 1; minus strand). Cytogenetic location: 11p15.4.
Variant type: single nucleotide variant.
Coding change: c.2521G>T on transcript NM_003737.4 (MANE Select); coding-DNA position 2521, G replaced by T.
Protein change: p.Ala841Ser; replaces alanine 841 with serine.
Molecular consequence: missense variant.
Genome position (GRCh38, 1-based): chr11:6,632,991, C>A on the plus strand (G>T on the coding strand, the complement: DCHS1 is on the minus strand). VCF-style: chr11-6632991-C-A. GRCh37 (hg19) VCF-style: chr11-6654222-C-A.
Other names: short protein forms A841S.
Identifiers: ClinVar variation 3642162 (VCV003642162.2).

ClinVar aggregate classification (germline): Uncertain significance (1 of 4 stars; one submission).

Submission:

Labcorp Genetics (formerly Invitae), Labcorp
Classification: Uncertain significance. Last evaluated: 2024-02-20. Review status: criteria provided, single submitter. Criteria: Invitae Variant Classification Sherloc (09022015). Collection method: clinical testing. Allele origin: germline.
Comment: This sequence change replaces alanine, which is neutral and non-polar, with serine, which is neutral and polar, at codon 841 of the DCHS1 protein (p.Ala841Ser). This variant is not present in population databases (gnomAD no frequency). This variant has not been reported in the literature in individuals affected with DCHS1-related conditions. Advanced modeling of protein sequence and biophysical properties (such as structural, functional, and spatial information, amino acid conservation, physicochemical variation, residue mobility, and thermodynamic stability) performed at Invitae indicates that this missense variant is not expected to disrupt DCHS1 protein function with a negative predictive value of 80%. In summary, the available evidence is currently insufficient to determine the role of this variant in disease. Therefore, it has been classified as a Variant of Uncertain Significance.